The following is an entry in ClinVar:

NM_015378.4(VPS13D):c.2065C>T (p.Arg689Trp)

Gene: VPS13D (vacuolar protein sorting 13 homolog D; plus strand). Cytogenetic location: 1p36.22.
Variant type: single nucleotide variant.
Coding change: c.2065C>T on transcript NM_015378.4 (MANE Select); coding-DNA position 2065, C replaced by T.
Protein change: p.Arg689Trp; replaces arginine 689 with tryptophan.
Molecular consequence: missense variant.
Genome position (GRCh38, 1-based): chr1:12,271,086, C>T. VCF-style: chr1-12271086-C-T. GRCh37 (hg19) VCF-style: chr1-12331143-C-T.
Other names: c.2065C>T, p.Arg689Trp (NM_018156.4); short protein forms R689W.
Identifiers: ClinVar variation 996333 (VCV000996333.6), dbSNP rs775767366, ClinGen allele CA601724.

ClinVar aggregate classification (germline): Uncertain significance. Review status: criteria provided, multiple submitters, no conflicts (2 of 4 stars). 2 submissions from 2 submitters: Uncertain significance (2). Last evaluated 2021-08-03.

Conditions:
Autosomal recessive cerebellar ataxia-saccadic intrusion syndrome. Also called: VPS13D Movement Disorder; SPINOCEREBELLAR ATAXIA 24. Identifiers: Orphanet 95434, MedGen C1846492, MONDO:0011811, OMIM 607317.

Allele frequency attached by ClinVar (database versions not stated): gnomAD 0.00001; TOPMed 0.00001.
gnomAD v4.1: 11 of 1,613,842 alleles (0.00068%); highest among the groups gnomAD compares: South Asian, 0.0011%; no homozygotes.

Submissions (2):

Labcorp Genetics (formerly Invitae), Labcorp
Classification: Uncertain significance. Last evaluated: 2021-08-03. Review status: criteria provided, single submitter. Criteria: Invitae Variant Classification Sherloc (09022015). Collection method: clinical testing. Allele origin: germline.
Comment: This sequence change replaces arginine with tryptophan at codon 689 of the VPS13D protein (p.Arg689Trp). The arginine residue is moderately conserved and there is a moderate physicochemical difference between arginine and tryptophan. This variant is present in population databases (rs775767366, ExAC 0.01%). This variant has not been reported in the literature in individuals affected with VPS13D-related conditions. ClinVar contains an entry for this variant (Variation ID: 996333). Algorithms developed to predict the effect of missense changes on protein structure and function are either unavailable or do not agree on the potential impact of this missense change (SIFT: "Not Available"; PolyPhen-2: "Probably Damaging"; Align-GVGD: "Not Available"). In summary, the available evidence is currently insufficient to determine the role of this variant in disease. Therefore, it has been classified as a Variant of Uncertain Significance.

Institute of Human Genetics, University of Goettingen
Classification: Uncertain significance for Autosomal recessive cerebellar ataxia-saccadic intrusion syndrome. Last evaluated: 2021-02-10. Review status: criteria provided, single submitter. Criteria: ACMG Guidelines, 2015. Collection method: clinical testing. Allele origin: maternal. Inheritance: Autosomal recessive inheritance. Observed: 1 variant allele, 1 compound heterozygote.
Comment: The VPS13D variant c.2065C>T (p.(Arg689Trp)) is found at a population frequency of 0.0008% in the gnomAD database, it affects a weakly conserved nucleotide and a moderately conserved amino acid and there is a moderate physicochemical difference between Arg and Trp. This variant has a conflicting computational verdict based on in silico prediction programs (benign: M-CAP & SIFT vs. pathogenic: PolyPhen-2 & MutationTaster). This variant was detected in trans with another variant of uncertain significance within the VPS13D gene (c.4022C>T). ACMG criteria used for classification: PM2, PP2.